The following is an entry in ClinVar:

ClinVar aggregate classification (germline): Uncertain significance. Review status: criteria provided, multiple submitters, no conflicts (2 of 4 stars). 2 submissions from 2 submitters: Uncertain significance (2). Last evaluated 2025-05-19.

Conditions:
Atypical glycine encephalopathy. Also called: Glycine encephalopathy with normal serum glycine. Identifiers: Orphanet 289863, MedGen C4310943, MONDO:0015010, OMIM 617301.
Inborn genetic diseases. Identifiers: MedGen C0950123, MeSH D030342.

Allele frequency attached by ClinVar (database versions not stated): gnomAD 0.00001; gnomAD exomes 0.00001; TOPMed 0.00001; ExAC 0.00002.
gnomAD v4.1: 15 of 1,613,786 alleles (0.00093%); highest among the groups gnomAD compares: Non-Finnish European, 0.0012%; no homozygotes.

Submissions (2):

Labcorp Genetics (formerly Invitae), Labcorp
Classification: Uncertain significance for Atypical glycine encephalopathy. Last evaluated: 2025-05-19. Review status: criteria provided, single submitter. Criteria: Invitae Variant Classification Sherloc (09022015). Collection method: clinical testing. Allele origin: germline.
Comment: This sequence change replaces isoleucine, which is neutral and non-polar, with valine, which is neutral and non-polar, at codon 194 of the SLC6A9 protein (p.Ile194Val). This variant is present in population databases (rs753932866, gnomAD 0.0009%). This variant has not been reported in the literature in individuals affected with SLC6A9-related conditions. ClinVar contains an entry for this variant (Variation ID: 2196374). An algorithm developed to predict the effect of missense changes on protein structure and function (PolyPhen-2) suggests that this variant is likely to be disruptive. In summary, the available evidence is currently insufficient to determine the role of this variant in disease. Therefore, it has been classified as a Variant of Uncertain Significance.

Ambry Genetics
Classification: Uncertain significance for Inborn genetic diseases. Last evaluated: 2025-03-27. Review status: criteria provided, single submitter. Criteria: Ambry Variant Classification Scheme 2023. Collection method: clinical testing. Allele origin: germline.

NM_001024845.3(SLC6A9):c.361A>G (p.Ile121Val)

Gene: SLC6A9 (solute carrier family 6 member 9; minus strand). Cytogenetic location: 1p34.1.
Variant type: single nucleotide variant.
Coding change: c.361A>G on transcript NM_001024845.3 (MANE Select); coding-DNA position 361, A replaced by G.
Protein change: p.Ile121Val; replaces isoleucine 121 with valine.
Molecular consequence: missense variant. On other transcripts: non-coding transcript variant (1).
Genome position (GRCh38, 1-based): chr1:44,008,582, T>C on the plus strand (A>G on the coding strand, the complement: SLC6A9 is on the minus strand). VCF-style: chr1-44008582-T-C. GRCh37 (hg19) VCF-style: chr1-44474254-T-C.
Other names: c.373A>G, p.Ile125Val (NM_001261380.2); c.28A>G, p.Ile10Val (NM_001328626.2, NM_001328630.2); c.298A>G, p.Ile100Val (NM_001328627.1); c.166A>G, p.Ile56Val (NM_001328628.1); c.361A>G, p.Ile121Val (NM_001328629.1); c.418A>G, p.Ile140Val (NM_006934.4); c.580A>G, p.Ile194Val (NM_201649.4); c.580A>G (NM_201649.2); short protein forms I121V, I140V, I100V, I10V, I56V, I125V, I194V.
Identifiers: ClinVar variation 2196374 (VCV002196374.5), dbSNP rs753932866, ClinGen allele CA817813.
Genomic context (GRCh38, chr1:44,008,582, plus strand): 5'-CGTGCGTCATGGACGAGAAGAAGTAGTAGAAGGCGATGCAGATGACCACATTGTAGTAGA[T>C]GCCGATGTAGGTGGACACCACCATCATACCATAGCCCACTCCTGCAGGAGGGGAGGGGTG-3'
Protein context (NP_001020016.1, residues 111-131): GMMVVSTYIG[Ile121Val]YYNVVICIAF